The following is an entry in ClinVar:

NM_000393.5(COL5A2):c.3471+62C>T

Gene: COL5A2 (collagen type V alpha 2 chain; minus strand). Cytogenetic location: 2q32.2.
Variant type: single nucleotide variant.
Coding change: c.3471+62C>T on transcript NM_000393.5 (MANE Select); 62 bases into the intron after coding-DNA position 3471, C replaced by T.
Molecular consequence: intron variant.
Genome position (GRCh38, 1-based): chr2:189,043,089, G>A on the plus strand (C>T on the coding strand, the complement: COL5A2 is on the minus strand). VCF-style: chr2-189043089-G-A. GRCh37 (hg19) VCF-style: chr2-189907815-G-A.
Identifiers: ClinVar variation 674571 (VCV000674571.2), dbSNP rs59397955, ClinGen allele CA62587792.

ClinVar aggregate classification (germline): Benign. Review status: criteria provided, multiple submitters, no conflicts (2 of 4 stars). 2 submissions from 2 submitters: Benign (2). Last evaluated 2018-06-14.

Allele frequency attached by ClinVar (database versions not stated): 1000 Genomes Project 0.05891; 1000 Genomes Project 30x 0.06027; gnomAD 0.06924 and 0.07291; TOPMed 0.07308.
gnomAD v4.1: 56,245 of 1,166,376 alleles (4.8%); highest among the groups gnomAD compares: African/African-American, 14%; 1,757 homozygotes.

Submissions (2):

GeneDx
Classification: Benign. Last evaluated: 2018-06-14. Review status: criteria provided, single submitter. Criteria: GeneDx Variant Classification (06012015). Collection method: clinical testing. Allele origin: germline. Affected: yes.
Comment: This variant is considered likely benign or benign based on one or more of the following criteria: it is a conservative change, it occurs at a poorly conserved position in the protein, it is predicted to be benign by multiple in silico algorithms, and/or has population frequency not consistent with disease.

Breakthrough Genomics
Classification: Benign. Review status: criteria provided, single submitter. Criteria: ACMG Guidelines, 2015. Collection method: not provided. Allele origin: germline. Inheritance: Autosomal dominant inheritance. Affected: yes.